The following is an entry in ClinVar:

ClinVar aggregate classification (germline): Uncertain significance (1 of 4 stars; one submission).

Submission:

Labcorp Genetics (formerly Invitae), Labcorp
Classification: Uncertain significance. Last evaluated: 2018-07-14. Review status: criteria provided, single submitter. Criteria: Invitae Variant Classification Sherloc (09022015). Collection method: clinical testing. Allele origin: germline.
Comment: In summary, the available evidence is currently insufficient to determine the role of this variant in disease. Therefore, it has been classified as a Variant of Uncertain Significance. Nucleotide substitutions within the consensus splice site are a relatively common cause of aberrant splicing (PMID: 17576681, 9536098). Algorithms developed to predict the effect of sequence changes on RNA splicing suggest that this variant is not likely to affect RNA splicing, but this prediction has not been confirmed by published transcriptional studies. This variant has not been reported in the literature in individuals with POLE-related disease. This variant is not present in population databases (ExAC no frequency). This sequence change falls in intron 7 of the POLE gene. It does not directly change the encoded amino acid sequence of the POLE protein, but it affects a nucleotide within the consensus splice site of the intron.

Literature cited by the submitters: PubMed 17576681; PubMed 9536098.

NM_006231.4(POLE):c.721-3C>T

Gene: POLE (DNA polymerase epsilon, catalytic subunit; minus strand). Cytogenetic location: 12q24.33.
Variant type: single nucleotide variant.
Coding change: c.721-3C>T on transcript NM_006231.4 (MANE Select); 3 bases into the intron before coding-DNA position 721, C replaced by T.
Molecular consequence: intron variant.
Genome position (GRCh38, 1-based): chr12:132,677,446, G>A on the plus strand (C>T on the coding strand, the complement: POLE is on the minus strand). VCF-style: chr12-132677446-G-A. GRCh37 (hg19) VCF-style: chr12-133254032-G-A.
Identifiers: ClinVar variation 638947 (VCV000638947.8), dbSNP rs1593081255, ClinGen allele CA645596055.
Genomic context (GRCh38, chr12:132,677,446, plus strand): 5'-GGCGGGTGATTTCTACCGGAAAAGCATTTCCTCGGTATCTGACATTGTACCAATGAGCCT[G>A]CAAAACACACAGTGTGCTAACTAGAGTTCTACATCCAGGAAAGTCTATTCTTCTGTGGAT-3'